The following is an entry in ClinVar:

ClinVar aggregate classification (germline): Conflicting classifications of pathogenicity. Review status: criteria provided, conflicting classifications (1 of 4 stars). 2 submissions from 2 submitters: Uncertain significance (1); Likely benign (1). Last evaluated 2022-11-01.

Conditions:
Autoinflammatory syndrome. Identifiers: Orphanet 93665, MedGen C3890737, MONDO:0019751.

Allele frequency attached by ClinVar (database versions not stated): gnomAD 0.00001; gnomAD exomes 0.00001 and 0.00003; TOPMed 0.00001; ExAC 0.00002.
gnomAD v4.1: 51 of 1,613,866 alleles (0.0032%); highest among the groups gnomAD compares: Non-Finnish European, 0.0038%; no homozygotes.

Submissions (2):

CeGaT Center for Human Genetics Tuebingen
Classification: Likely benign. Last evaluated: 2022-11-01. Review status: criteria provided, single submitter. Criteria: CeGaT Center For Human Genetics Tuebingen Variant Classification Criteria Version 2. Collection method: clinical testing. Allele origin: germline. Affected: yes. Observed: 2 variant alleles.
Comment: STING1: BP4, BP7

Genome Diagnostics Laboratory, The Hospital for Sick Children
Classification: Uncertain significance for Autoinflammatory syndrome. Last evaluated: 2020-09-25. Review status: criteria provided, single submitter. Criteria: ACMG Guidelines, 2015. Collection method: clinical testing. Allele origin: germline. Affected: yes.

NM_198282.4(STING1):c.175C>T (p.Leu59=)

Gene: STING1 (stimulator of interferon response cGAMP interactor 1; minus strand). Cytogenetic location: 5q31.2.
Variant type: single nucleotide variant.
Coding change: c.175C>T on transcript NM_198282.4 (MANE Select); coding-DNA position 175, C replaced by T.
Protein change: p.Leu59=; no amino-acid change (leucine 59 retained).
Molecular consequence: synonymous variant. On other transcripts: intron variant (1).
Genome position (GRCh38, 1-based): chr5:139,481,530, G>A on the plus strand (C>T on the coding strand, the complement: STING1 is on the minus strand). VCF-style: chr5-139481530-G-A. GRCh37 (hg19) VCF-style: chr5-138861115-G-A.
Other names: c.175C>T, p.Leu59= (NM_001301738.2); c.-130-188C>T (NM_001367258.1).
Identifiers: ClinVar variation 1694177 (VCV001694177.27), dbSNP rs760161824, ClinGen allele CA3435491.
Genomic context (GRCh38, chr5:139,481,530, plus strand): 5'-TGAGTCACCTGGAGTGGATGTGGCGCAGCTCCTCAGCCAGGCTGCAGACCCCGTTTAACA[G>A]CAGTCCCAGCTGCAGGGAGGCTAGGTGGAGCACCAGGTACCGGAGAGTGTGCTCTGGTGG-3'
Protein context (NP_938023.1, residues 49-69): LHLASLQLGL[Leu59=]LNGVCSLAEE